The following is an entry in ClinVar:

ClinVar aggregate classification (germline): Uncertain significance (1 of 4 stars; one submission).

Conditions:
Long QT syndrome (LQTS). Identifiers: MedGen C0023976, MeSH D008133, MONDO:0002442. Disease mechanism: loss of function. Inheritance: Various modes of inheritance.

gnomAD v4.1: 1 of 1,574,724 alleles (0.000064%); highest among the groups gnomAD compares: Non-Finnish European, 0.000086%; no homozygotes.

Submission:

Labcorp Genetics (formerly Invitae), Labcorp
Classification: Uncertain significance for Long QT syndrome. Last evaluated: 2024-09-10. Review status: criteria provided, single submitter. Criteria: Invitae Variant Classification Sherloc (09022015). Collection method: clinical testing. Allele origin: germline.
Comment: This sequence change replaces glycine, which is neutral and non-polar, with glutamic acid, which is acidic and polar, at codon 522 of the KCNH2 protein (p.Gly522Glu). This variant is present in population databases (rs778103101, gnomAD 0.001%). This variant has not been reported in the literature in individuals affected with KCNH2-related conditions. An algorithm developed to predict the effect of missense changes on protein structure and function (PolyPhen-2) suggests that this variant is likely to be disruptive. In summary, the available evidence is currently insufficient to determine the role of this variant in disease. Therefore, it has been classified as a Variant of Uncertain Significance.

NM_000238.4(KCNH2):c.1565G>A (p.Gly522Glu)

Gene: KCNH2 (potassium voltage-gated channel subfamily H member 2; minus strand). Cytogenetic location: 7q36.1.
Variant type: single nucleotide variant.
Coding change: c.1565G>A on transcript NM_000238.4 (MANE Select); coding-DNA position 1565, G replaced by A.
Protein change: p.Gly522Glu; replaces glycine 522 with glutamic acid.
Molecular consequence: missense variant. On other transcripts: non-coding transcript variant (2).
Genome position (GRCh38, 1-based): chr7:150,951,828, C>T on the plus strand (G>A on the coding strand, the complement: KCNH2 is on the minus strand). VCF-style: chr7-150951828-C-T. GRCh37 (hg19) VCF-style: chr7-150648916-C-T.
Other names: c.545G>A, p.Gly182Glu (NM_001204798.2, NM_172057.3); c.1277G>A, p.Gly426Glu (NM_001406753.1, NM_001406756.1); c.1388G>A, p.Gly463Glu (NM_001406755.1); c.1265G>A, p.Gly422Glu (NM_001406757.1); c.1565G>A, p.Gly522Glu (NM_172056.3); short protein forms G182E, G422E, G426E, G463E, G522E.
Identifiers: ClinVar variation 3730421 (VCV003730421.2).